The following is an entry in ClinVar:

ClinVar aggregate classification (germline): Uncertain significance (1 of 4 stars; one submission).

gnomAD v4.1: 3 of 1,613,942 alleles (0.00019%); highest among the groups gnomAD compares: Non-Finnish European, 0.00025%; no homozygotes.

Submission:

Labcorp Genetics (formerly Invitae), Labcorp
Classification: Uncertain significance. Last evaluated: 2022-06-05. Review status: criteria provided, single submitter. Criteria: Invitae Variant Classification Sherloc (09022015). Collection method: clinical testing. Allele origin: germline.
Comment: This variant has not been reported in the literature in individuals affected with STAMBP-related conditions. In summary, the available evidence is currently insufficient to determine the role of this variant in disease. Therefore, it has been classified as a Variant of Uncertain Significance. Algorithms developed to predict the effect of missense changes on protein structure and function are either unavailable or do not agree on the potential impact of this missense change (SIFT: "Tolerated"; PolyPhen-2: "Possibly Damaging"; Align-GVGD: "Class C0"). ClinVar contains an entry for this variant (Variation ID: 1360305). This variant is not present in population databases (gnomAD no frequency). This sequence change replaces alanine, which is neutral and non-polar, with proline, which is neutral and non-polar, at codon 17 of the STAMBP protein (p.Ala17Pro).

NM_213622.4(STAMBP):c.49G>C (p.Ala17Pro)

Genes: STAMBP (STAM binding protein; plus strand), LOC126806253 (CDK7 strongly-dependent group 2 enhancer GRCh37_chr2:74057585-74058784; plus strand). Cytogenetic location: 2p13.1.
Variant type: single nucleotide variant.
Coding change: c.49G>C on transcript NM_213622.4 (MANE Select); coding-DNA position 49, G replaced by C.
Protein change: p.Ala17Pro; replaces alanine 17 with proline.
Molecular consequence: missense variant. On other transcripts: 5 prime UTR variant (5), non-coding transcript variant (4), intron variant (1).
Genome position (GRCh38, 1-based): chr2:73,830,905, G>C. VCF-style: chr2-73830905-G-C. GRCh37 (hg19) VCF-style: chr2-74058032-G-C.
Other names: c.49G>C, p.Ala17Pro (NM_001353967.2, NM_001353968.2, NM_001353969.2 and 3 more transcripts); c.-505G>C (NM_001353971.2, NM_001353973.2, NM_001353974.2 and 2 more transcripts); c.-203+1909G>C (NM_001353972.2); short protein forms A17P.
Identifiers: ClinVar variation 1360305 (VCV001360305.4), dbSNP rs1264087605, ClinGen allele CA347303387.